The following is an entry in ClinVar:

NM_016148.5(SHANK1):c.2877T>C (p.Gly959=)

Gene: SHANK1 (SH3 and multiple ankyrin repeat domains 1; minus strand). Cytogenetic location: 19q13.33.
Variant type: single nucleotide variant.
Coding change: c.2877T>C on transcript NM_016148.5 (MANE Select); coding-DNA position 2877, T replaced by C.
Protein change: p.Gly959=; no amino-acid change (glycine 959 retained).
Molecular consequence: synonymous variant.
Genome position (GRCh38, 1-based): chr19:50,669,083, A>G on the plus strand (T>C on the coding strand, the complement: SHANK1 is on the minus strand). VCF-style: chr19-50669083-A-G. GRCh37 (hg19) VCF-style: chr19-51172340-A-G.
Identifiers: ClinVar variation 3046745 (VCV003046745.2), dbSNP rs1258059249, ClinGen allele CA508311572.

ClinVar aggregate classification (germline): Likely benign (0 of 4 stars; one submission).

Conditions:
SHANK1-related disorder. Also called: SHANK1-related condition.

Allele frequency attached by ClinVar (database versions not stated): gnomAD 0.00004.

Submission:

PreventionGenetics, part of Exact Sciences
Classification: Likely benign for SHANK1-related condition. Last evaluated: 2019-04-11. Review status: no assertion criteria provided. Collection method: clinical testing. Allele origin: germline.
Comment: This variant is classified as likely benign based on ACMG/AMP sequence variant interpretation guidelines (Richards et al. 2015 PMID: 25741868, with internal and published modifications).